The following is an entry in ClinVar:

NM_006904.7(PRKDC):c.6314A>G (p.His2105Arg)

Gene: PRKDC (protein kinase, DNA-activated, catalytic subunit; minus strand). Cytogenetic location: 8q11.21.
Variant type: single nucleotide variant.
Coding change: c.6314A>G on transcript NM_006904.7 (MANE Select); coding-DNA position 6314, A replaced by G.
Protein change: p.His2105Arg; replaces histidine 2105 with arginine.
Molecular consequence: missense variant.
Genome position (GRCh38, 1-based): chr8:47,858,880, T>C on the plus strand (A>G on the coding strand, the complement: PRKDC is on the minus strand). VCF-style: chr8-47858880-T-C. GRCh37 (hg19) VCF-style: chr8-48771441-T-C.
Other names: c.6314A>G, p.His2105Arg (NM_001081640.2); short protein forms H2105R.
Identifiers: ClinVar variation 847559 (VCV000847559.8), dbSNP rs1159943440, ClinGen allele CA371160873.

ClinVar aggregate classification (germline): Uncertain significance (1 of 4 stars; one submission).

Conditions:
Severe combined immunodeficiency due to DNA-PKcs deficiency. Also called: Immunodeficiency 26 with or without neurologic abnormalities; IMMUNODEFICIENCY 26 WITH NEUROLOGIC ABNORMALITIES. Identifiers: Orphanet 317425, MedGen C4014833, MONDO:0014423, OMIM 615966.

Allele frequency attached by ClinVar (database versions not stated): gnomAD 0.00001; TOPMed 0.00001.
gnomAD v4.1: 10 of 1,613,794 alleles (0.00062%); highest among the groups gnomAD compares: African/African-American, 0.0027%; no homozygotes.

Submission:

Labcorp Genetics (formerly Invitae), Labcorp
Classification: Uncertain significance for Severe combined immunodeficiency due to DNA-PKcs deficiency. Last evaluated: 2019-12-20. Review status: criteria provided, single submitter. Criteria: Invitae Variant Classification Sherloc (09022015). Collection method: clinical testing. Allele origin: germline.
Comment: In summary, the available evidence is currently insufficient to determine the role of this variant in disease. Therefore, it has been classified as a Variant of Uncertain Significance. Algorithms developed to predict the effect of missense changes on protein structure and function are either unavailable or do not agree on the potential impact of this missense change (SIFT: "Tolerated"; PolyPhen-2: "Not Available"; Align-GVGD: "Class C0"). This variant has not been reported in the literature in individuals with PRKDC-related conditions. This variant is not present in population databases (ExAC no frequency). This sequence change replaces histidine with arginine at codon 2105 of the PRKDC protein (p.His2105Arg). The histidine residue is weakly conserved and there is a small physicochemical difference between histidine and arginine.